The following is an entry in ClinVar:

NM_006767.4(LZTR1):c.1859_1860insGTCCT (p.Ile625fs)

Gene: LZTR1 (leucine zipper like post translational regulator 1; plus strand). Cytogenetic location: 22q11.21.
Variant type: Insertion.
Coding change: c.1859_1860insGTCCT on transcript NM_006767.4 (MANE Select); coding-DNA positions 1859 to 1860, GTCCT inserted.
Protein change: p.Ile625fs; shifts the reading frame from isoleucine 625.
Molecular consequence: frameshift variant.
Genome position: GRCh38 VCF-style: chr22-20994940-G-GCCTGT. GRCh37 (hg19) VCF-style: chr22-21349229-G-GCCTGT.
Other names: short protein forms I625fs.
Identifiers: ClinVar variation 2114735 (VCV002114735.4), dbSNP rs2518622465, ClinGen allele CA2580099241.

ClinVar aggregate classification (germline): Pathogenic (1 of 4 stars; one submission).

Submission:

Labcorp Genetics (formerly Invitae), Labcorp
Classification: Pathogenic. Last evaluated: 2025-01-11. Review status: criteria provided, single submitter. Criteria: Invitae Variant Classification Sherloc (09022015). Collection method: clinical testing. Allele origin: germline.
Comment: This sequence change creates a premature translational stop signal (p.Ile625Hisfs*2) in the LZTR1 gene. It is expected to result in an absent or disrupted protein product. Loss-of-function variants in LZTR1 are known to be pathogenic (PMID: 24362817, 25335493, 25480913, 25795793, 29469822, 30368668, 30442762, 30442766, 30481304, 30859559). This variant is not present in population databases (gnomAD no frequency). This variant has not been reported in the literature in individuals affected with LZTR1-related conditions. ClinVar contains an entry for this variant (Variation ID: 2114735). For these reasons, this variant has been classified as Pathogenic.

Literature cited by the submitters: PubMed 24362817; PubMed 25335493; PubMed 25480913; PubMed 25795793; PubMed 29469822; PubMed 30368668; PubMed 30442762; PubMed 30442766; PubMed 30481304; PubMed 30859559.